The following is an entry in ClinVar:

NM_001101426.4(CRPPA):c.101G>A (p.Ser34Asn)

Genes: CRPPA (CDP-L-ribitol pyrophosphorylase A; minus strand), LOC129998005 (ATAC-STARR-seq lymphoblastoid silent region 17982; plus strand). Cytogenetic location: 7p21.2.
Variant type: single nucleotide variant.
Coding change: c.101G>A on transcript NM_001101426.4 (MANE Select); coding-DNA position 101, G replaced by A.
Protein change: p.Ser34Asn; replaces serine 34 with asparagine.
Molecular consequence: missense variant. On other transcripts: non-coding transcript variant (1).
Genome position (GRCh38, 1-based): chr7:16,421,222, C>T on the plus strand (G>A on the coding strand, the complement: CRPPA is on the minus strand). VCF-style: chr7-16421222-C-T. GRCh37 (hg19) VCF-style: chr7-16460847-C-T.
Other names: c.101G>A, p.Ser34Asn (NM_001101417.4, NM_001368197.1); short protein forms S34N.
Identifiers: ClinVar variation 1990913 (VCV001990913.4), dbSNP rs2546759114, ClinGen allele CA367004327.

ClinVar aggregate classification (germline): Uncertain significance (1 of 4 stars; one submission).

Conditions:
Muscular dystrophy-dystroglycanopathy (congenital with brain and eye anomalies), type A, 7. Also called: WALKER-WARBURG SYNDROME OR MUSCLE-EYE-BRAIN DISEASE, ISPD-RELATED; Congenital muscular dystrophy-dystroglycanopathy with brain and eye anomalies, type A7. Identifiers: Orphanet 899, MedGen C3553330, MONDO:0013835, OMIM 614643.
Autosomal recessive limb-girdle muscular dystrophy type 2U. Also called: MUSCULAR DYSTROPHY, LIMB-GIRDLE, TYPE 2U; Muscular dystrophy-dystroglycanopathy (limb-girdle), type c, 7. Identifiers: Orphanet 352479, MedGen C5190987, MONDO:0014474, OMIM 616052.

Submission:

Labcorp Genetics (formerly Invitae), Labcorp
Classification: Uncertain significance for Muscular dystrophy-dystroglycanopathy (congenital with brain and eye anomalies), type A, 7; Autosomal recessive limb-girdle muscular dystrophy type 2U. Last evaluated: 2022-04-29. Review status: criteria provided, single submitter. Criteria: Invitae Variant Classification Sherloc (09022015). Collection method: clinical testing. Allele origin: germline.
Comment: In summary, the available evidence is currently insufficient to determine the role of this variant in disease. Therefore, it has been classified as a Variant of Uncertain Significance. Algorithms developed to predict the effect of missense changes on protein structure and function are either unavailable or do not agree on the potential impact of this missense change (SIFT: "Deleterious"; PolyPhen-2: "Benign"; Align-GVGD: "Class C0"). This variant has not been reported in the literature in individuals affected with ISPD-related conditions. This variant is not present in population databases (gnomAD no frequency). This sequence change replaces serine, which is neutral and polar, with asparagine, which is neutral and polar, at codon 34 of the ISPD protein (p.Ser34Asn).